The following is an entry in ClinVar:

ClinVar aggregate classification (germline): Likely pathogenic (1 of 4 stars; one submission).

Conditions:
SCAPER-related disorder. Also called: SCAPER-related condition.

gnomAD v4.1: 5 of 1,612,754 alleles (0.00031%); highest among the groups gnomAD compares: African/African-American, 0.004%; no homozygotes.

Submission:

PreventionGenetics, part of Exact Sciences
Classification: Likely pathogenic for SCAPER-related condition. Last evaluated: 2026-09-03. Review status: criteria provided, single submitter. Criteria: ACMG Guidelines, 2015. Collection method: clinical testing. Allele origin: germline.
Comment: The SCAPER c.1786C>T variant is predicted to result in premature protein termination (p.Arg596*). To our knowledge, this variant has not been reported in the literature or in a large population database (gnomAD), indicating this variant is rare. Nonsense variants in SCAPER are expected to be pathogenic. This variant is interpreted as likely pathogenic.

NM_020843.4(SCAPER):c.1768C>T (p.Arg590Ter)

Gene: SCAPER (S-phase cyclin A associated protein in the ER; minus strand). Cytogenetic location: 15q24.3.
Variant type: single nucleotide variant.
Coding change: c.1768C>T on transcript NM_020843.4 (MANE Select); coding-DNA position 1768, C replaced by T.
Protein change: p.Arg590Ter; replaces arginine 590 with a stop codon.
Molecular consequence: nonsense. On other transcripts: non-coding transcript variant (1).
Genome position (GRCh38, 1-based): chr15:76,753,906, G>A on the plus strand (C>T on the coding strand, the complement: SCAPER is on the minus strand). VCF-style: chr15-76753906-G-A. GRCh37 (hg19) VCF-style: chr15-77046247-G-A.
Other names: c.1030C>T, p.Arg344Ter (NM_001145923.2); c.1786C>T, p.Arg596Ter (NM_001353009.2); c.1366C>T, p.Arg456Ter (NM_001353010.2, NM_001353012.2); c.1384C>T, p.Arg462Ter (NM_001353011.2); short protein forms R596*, R344*, R590*, R456*, R462*.
Identifiers: ClinVar variation 5001404 (VCV005001404.1).